The following is an entry in ClinVar:

NM_003664.5(AP3B1):c.2923A>G (p.Ile975Val)

Gene: AP3B1 (adaptor related protein complex 3 subunit beta 1; minus strand). Cytogenetic location: 5q14.1.
Variant type: single nucleotide variant.
Coding change: c.2923A>G on transcript NM_003664.5 (MANE Select); coding-DNA position 2923, A replaced by G.
Protein change: p.Ile975Val; replaces isoleucine 975 with valine.
Molecular consequence: missense variant.
Genome position (GRCh38, 1-based): chr5:78,020,761, T>C on the plus strand (A>G on the coding strand, the complement: AP3B1 is on the minus strand). VCF-style: chr5-78020761-T-C. GRCh37 (hg19) VCF-style: chr5-77316585-T-C.
Other names: c.2776A>G, p.Ile926Val (NM_001271769.2); short protein forms I926V, I975V.
Identifiers: ClinVar variation 4761157 (VCV004761157.1).

ClinVar aggregate classification (germline): Uncertain significance (1 of 4 stars; one submission).

Conditions:
Hermansky-Pudlak syndrome 2 (HPS2). Also called: Platelet defects and oculocutaneous albinism. Identifiers: Orphanet 183678, Orphanet 79430, MedGen C1842362, MONDO:0011997, OMIM 608233.

gnomAD v4.1: 3 of 1,612,498 alleles (0.00019%); highest among the groups gnomAD compares: Non-Finnish European, 0.00025%; no homozygotes.

Submission:

Labcorp Genetics (formerly Invitae), Labcorp
Classification: Uncertain significance for Hermansky-Pudlak syndrome 2. Last evaluated: 2025-10-10. Review status: criteria provided, single submitter. Criteria: Invitae Variant Classification Sherloc (09022015). Collection method: clinical testing. Allele origin: germline.
Comment: This sequence change replaces isoleucine, which is neutral and non-polar, with valine, which is neutral and non-polar, at codon 975 of the AP3B1 protein (p.Ile975Val). This variant is not present in population databases (gnomAD no frequency). This variant has not been reported in the literature in individuals affected with AP3B1-related conditions. An algorithm developed to predict the effect of missense changes on protein structure and function (PolyPhen-2) suggests that this variant is likely to be tolerated. In summary, the available evidence is currently insufficient to determine the role of this variant in disease. Therefore, it has been classified as a Variant of Uncertain Significance.